The following is an entry in ClinVar:

ClinVar aggregate classification (germline): Uncertain significance. Review status: criteria provided, multiple submitters, no conflicts (2 of 4 stars). 3 submissions from 3 submitters: Uncertain significance (3). Last evaluated 2026-04-02.

Allele frequency attached by ClinVar (database versions not stated): ExAC 0.00005; gnomAD exomes 0.00003; TOPMed 0.00003; gnomAD 0.00003.
gnomAD v4.1: 57 of 1,613,856 alleles (0.0035%); highest among the groups gnomAD compares: Admixed American, 0.012%; no homozygotes.

Submissions (3):

GeneDx
Classification: Uncertain significance. Last evaluated: 2026-04-02. Review status: criteria provided, single submitter. Criteria: GeneDx Variant Classification Process June 2021. Collection method: clinical testing. Allele origin: germline.
Comment: Has not been previously published as pathogenic or benign to our knowledge; In silico analysis suggests that this missense variant does not alter protein structure/function

Labcorp Genetics (formerly Invitae), Labcorp
Classification: Uncertain significance. Last evaluated: 2024-10-24. Review status: criteria provided, single submitter. Criteria: Invitae Variant Classification Sherloc (09022015). Collection method: clinical testing. Allele origin: germline.
Comment: This sequence change replaces threonine, which is neutral and polar, with methionine, which is neutral and non-polar, at codon 318 of the LARS protein (p.Thr318Met). This variant is present in population databases (rs752392021, gnomAD 0.01%). This variant has not been reported in the literature in individuals affected with LARS-related conditions. ClinVar contains an entry for this variant (Variation ID: 1984773). Invitae Evidence Modeling of protein sequence and biophysical properties (such as structural, functional, and spatial information, amino acid conservation, physicochemical variation, residue mobility, and thermodynamic stability) indicates that this missense variant is not expected to disrupt LARS protein function with a negative predictive value of 80%. In summary, the available evidence is currently insufficient to determine the role of this variant in disease. Therefore, it has been classified as a Variant of Uncertain Significance.

Ambry Genetics
Classification: Uncertain significance. Last evaluated: 2024-04-29. Review status: criteria provided, single submitter. Criteria: Ambry Variant Classification Scheme 2023. Collection method: clinical testing. Allele origin: germline.

NM_020117.11(LARS1):c.953C>T (p.Thr318Met)

Gene: LARS1 (leucyl-tRNA synthetase 1; minus strand). Cytogenetic location: 5q32.
Variant type: single nucleotide variant.
Coding change: c.953C>T on transcript NM_020117.11 (MANE Select); coding-DNA position 953, C replaced by T.
Protein change: p.Thr318Met; replaces threonine 318 with methionine.
Molecular consequence: missense variant.
Genome position (GRCh38, 1-based): chr5:146,157,515, G>A on the plus strand (C>T on the coding strand, the complement: LARS1 is on the minus strand). VCF-style: chr5-146157515-G-A. GRCh37 (hg19) VCF-style: chr5-145537078-G-A.
Other names: c.953C>T (NM_020117.9); c.815C>T, p.Thr272Met (NM_001317964.2); c.791C>T, p.Thr264Met (NM_001317965.2); c.872C>T, p.Thr291Met (NM_016460.4); short protein forms T264M, T318M, T272M, T291M.
Identifiers: ClinVar variation 1984773 (VCV001984773.4), dbSNP rs752392021, ClinGen allele CA3489781.